The following is an entry in ClinVar:

ClinVar aggregate classification (germline): Likely pathogenic (1 of 4 stars; one submission).

Conditions:
Kabuki syndrome 1 (KABUK1). Also called: KMT2D-Related Kabuki Syndrome. Identifiers: Orphanet 2322, MedGen CN030661, MONDO:0007843, OMIM 147920.

Submission:

3billion
Classification: Likely pathogenic for Kabuki syndrome 1. Last evaluated: 2022-05-22. Review status: criteria provided, single submitter. Criteria: ACMG Guidelines, 2015. Collection method: clinical testing. Allele origin: germline. Affected: yes. Observed: 1 heterozygote.
Comment: It is absent from the gnomAD v2.1.1 dataset. Substitution at the splicing junction produces an abnormal splicing effect, which is expected to cause a loss of normal protein function via nonsense-mediated mRNA decay. Therefore, this variant is classified as likely pathogenic according to the recommendation of ACMG/AMP guideline.

NM_003482.4(KMT2D):c.14382+1G>A

Gene: KMT2D (lysine methyltransferase 2D; minus strand). Cytogenetic location: 12q13.12.
Variant type: single nucleotide variant.
Coding change: c.14382+1G>A on transcript NM_003482.4 (MANE Select); the canonical splice donor site of the intron after coding-DNA position 14382, G replaced by A.
Molecular consequence: splice donor variant.
Genome position (GRCh38, 1-based): chr12:49,028,827, C>T on the plus strand (G>A on the coding strand, the complement: KMT2D is on the minus strand). VCF-style: chr12-49028827-C-T. GRCh37 (hg19) VCF-style: chr12-49422610-C-T.
Identifiers: ClinVar variation 1687311 (VCV001687311.1), dbSNP rs1555186428, ClinGen allele CA384695657.